The following is an entry in ClinVar:

ClinVar aggregate classification (germline): Uncertain significance (1 of 4 stars; one submission).

Submission:

CeGaT Center for Human Genetics Tuebingen
Classification: Uncertain significance. Last evaluated: 2024-01-01. Review status: criteria provided, single submitter. Criteria: CeGaT Center For Human Genetics Tuebingen Variant Classification Criteria Version 2. Collection method: clinical testing. Allele origin: germline. Affected: yes. Observed: 1 variant allele.
Comment: LCK: PM2, PP3

NM_005356.5(LCK):c.1270T>C (p.Trp424Arg)

Gene: LCK (LCK proto-oncogene, Src family tyrosine kinase; plus strand). Cytogenetic location: 1p35.2.
Variant type: single nucleotide variant.
Coding change: c.1270T>C on transcript NM_005356.5 (MANE Select); coding-DNA position 1270, T replaced by C.
Protein change: p.Trp424Arg; replaces tryptophan 424 with arginine.
Molecular consequence: missense variant.
Genome position (GRCh38, 1-based): chr1:32,280,153, T>C. VCF-style: chr1-32280153-T-C. GRCh37 (hg19) VCF-style: chr1-32745754-T-C.
Other names: c.1270T>C, p.Trp424Arg (NM_001042771.3); c.1117T>C, p.Trp373Arg (NM_001330468.2); short protein forms W373R, W424R.
Identifiers: ClinVar variation 3026714 (VCV003026714.22), dbSNP rs2521700883, ClinGen allele CA339642939.